The following is an entry in ClinVar:

NM_001371623.1(TCOF1):c.1653_1655del (p.Ser553del)

Gene: TCOF1 (treacle ribosome biogenesis factor 1; plus strand). Cytogenetic location: 5q32.
Variant type: Deletion.
Coding change: c.1653_1655del on transcript NM_001371623.1 (MANE Select); coding-DNA positions 1653 to 1655, 3 bases deleted (GTC; older notation c.1653_1655delGTC).
Protein change: p.Ser553del; deletes serine 553.
Molecular consequence: inframe deletion.
Genome position (GRCh38, 1-based): chr5:150,375,503-150,375,505, GTC deleted. VCF-style (leftmost placement, unchanged base first): chr5-150375502-AGTC-A. GRCh37 (hg19) VCF-style: chr5-149755065-AGTC-A.
Other names: c.1422_1424del, p.Ser476del (NM_000356.4, NM_001135245.2); c.1653_1655del, p.Ser553del (NM_001008657.3, NM_001135243.2, NM_001135244.2 and 1 more transcripts); short protein forms S476del, S553del.
Identifiers: ClinVar variation 2500632 (VCV002500632.1), dbSNP rs2533458672, ClinGen allele CA2580073895.

ClinVar aggregate classification (germline): Uncertain significance (1 of 4 stars; one submission).

Submission:

GeneDx
Classification: Uncertain significance. Last evaluated: 2022-10-19. Review status: criteria provided, single submitter. Criteria: GeneDx Variant Classification Process June 2021. Collection method: clinical testing. Allele origin: germline. Affected: yes.
Comment: Not observed at significant frequency in large population cohorts (gnomAD); In-frame deletion of one amino acid in a non-repeat region; In silico analysis supports that this variant does not alter protein structure/function; Has not been previously published as pathogenic or benign to our knowledge